The following is an entry in ClinVar:

NM_024426.6(WT1):c.577G>C (p.Ala193Pro)

Genes: WT1 (WT1 transcription factor; minus strand), LOC107982234 (WT1/WT1-AS bi-directional promoter region; plus strand). Cytogenetic location: 11p13.
Variant type: single nucleotide variant.
Coding change: c.577G>C on transcript NM_024426.6 (MANE Select); coding-DNA position 577, G replaced by C.
Protein change: p.Ala193Pro; replaces alanine 193 with proline.
Molecular consequence: missense variant. On other transcripts: non-coding transcript variant (1).
Genome position (GRCh38, 1-based): chr11:32,434,784, C>G on the plus strand (G>C on the coding strand, the complement: WT1 is on the minus strand). VCF-style: chr11-32434784-C-G. GRCh37 (hg19) VCF-style: chr11-32456330-C-G.
Other names: c.577G>C, p.Ala193Pro (NM_000378.6, NM_024424.5); short protein forms A193P.
Identifiers: ClinVar variation 1494587 (VCV001494587.8), dbSNP rs1590409175, ClinGen allele CA379964606.

ClinVar aggregate classification (germline): Uncertain significance (1 of 4 stars; one submission).

Conditions:
Wilms tumor 1 (WT1). Also called: Wilms tumor, somatic. Identifiers: Orphanet 654, MedGen CN033288, MONDO:0008679, OMIM 194070.
11p partial monosomy syndrome (WAGR). Also called: WAGR syndrome; WAGR Complex; CHROMOSOME 11p13 DELETION SYNDROME; WAGR Spectrum Disorder. Identifiers: Orphanet 893, MedGen C0206115, MONDO:0008681, OMIM 194072.
Frasier syndrome. Identifiers: Orphanet 347, MedGen C0950122, MeSH D052159, MONDO:0007635, OMIM 136680.
Drash syndrome (DDS). Also called: WILMS TUMOR AND PSEUDO- OR TRUE HERMAPHRODITISM; NEPHROPATHY, WILMS TUMOR, AND GENITAL ANOMALIES. Identifiers: Orphanet 220, MedGen C0950121, MONDO:0008682, OMIM 194080.

Submission:

Labcorp Genetics (formerly Invitae), Labcorp
Classification: Uncertain significance for Wilms tumor 1; Drash syndrome; 11p partial monosomy syndrome; Frasier syndrome. Last evaluated: 2024-11-12. Review status: criteria provided, single submitter. Criteria: Invitae Variant Classification Sherloc (09022015). Collection method: clinical testing. Allele origin: germline.
Comment: This sequence change replaces alanine, which is neutral and non-polar, with proline, which is neutral and non-polar, at codon 188 of the WT1 protein (p.Ala188Pro). This variant is not present in population databases (gnomAD no frequency). This variant has not been reported in the literature in individuals affected with WT1-related conditions. ClinVar contains an entry for this variant (Variation ID: 1494587). An algorithm developed to predict the effect of missense changes on protein structure and function outputs the following: PolyPhen-2: "Benign". The proline amino acid residue is found in multiple mammalian species, which suggests that this missense change does not adversely affect protein function. In summary, the available evidence is currently insufficient to determine the role of this variant in disease. Therefore, it has been classified as a Variant of Uncertain Significance.